The following is an entry in ClinVar:

NM_018244.5(UQCC1):c.152G>A (p.Arg51Gln)

Gene: UQCC1 (ubiquinol-cytochrome c reductase complex assembly factor 1; minus strand). Cytogenetic location: 20q11.22.
Variant type: single nucleotide variant.
Coding change: c.152G>A on transcript NM_018244.5 (MANE Select); coding-DNA position 152, G replaced by A.
Protein change: p.Arg51Gln; replaces arginine 51 with glutamine.
Molecular consequence: missense variant. On other transcripts: intron variant (1).
Genome position (GRCh38, 1-based): chr20:35,384,111, C>T on the plus strand (G>A on the coding strand, the complement: UQCC1 is on the minus strand). VCF-style: chr20-35384111-C-T. GRCh37 (hg19) VCF-style: chr20-33971914-C-T.
Other names: c.152G>A, p.Arg51Gln (NM_199487.3); c.130-9855G>A (NM_001184977.2); short protein forms R51Q.
Identifiers: ClinVar variation 1245347 (VCV001245347.3), dbSNP rs4911494, ClinGen allele CA9831951.
Genomic context (GRCh38, chr20:35,384,111, plus strand): 5'-TGATACTTCCTATTCAGCTGTATGTCTATTCCAGGAATCTGTTCTGATCCACCACATGCT[C>T]GGGACTGGCTCATCTGGGGCCACTGAAGAATAAAAACACAGATCTATGCAACACTGAGCA-3'
Protein context (NP_060714.3, residues 41-61): TSQWPQMSQS[Arg51Gln]ACGGSEQIPG

ClinVar aggregate classification (germline): Benign. Review status: criteria provided, multiple submitters, no conflicts (2 of 4 stars). 2 submissions from 2 submitters: Benign (2). Last evaluated 2020-02-18.

Allele frequency attached by ClinVar (database versions not stated): ESP Exome Variant Server 0.52576; 1000 Genomes Project 0.52756; 1000 Genomes Project 30x 0.52795; gnomAD 0.54058 and 0.54218; TOPMed 0.54847; ExAC 0.57698; gnomAD exomes 0.58888 and 0.60892.

Submissions (2):

GeneDx
Classification: Benign. Last evaluated: 2020-02-18. Review status: criteria provided, single submitter. Criteria: GeneDx Variant Classification Process June 2021. Collection method: clinical testing. Allele origin: germline. Affected: yes.
Comment: This variant is associated with the following publications: (PMID: 19343178)

Breakthrough Genomics
Classification: Benign. Review status: criteria provided, single submitter. Criteria: ACMG Guidelines, 2015. Collection method: not provided. Allele origin: germline. Inheritance: Unknown mechanism. Affected: yes.